The following is an entry in ClinVar:

ClinVar aggregate classification (germline): Likely pathogenic (1 of 4 stars; one submission).

Conditions:
Dilated cardiomyopathy 1G (CMD1G). Identifiers: Orphanet 154, MedGen C1858763, MONDO:0011400, OMIM 604145.
Autosomal recessive limb-girdle muscular dystrophy type 2J (LGMDR10). Also called: Limb-girdle muscular dystrophy, type 2J; MUSCULAR DYSTROPHY, LIMB-GIRDLE, AUTOSOMAL RECESSIVE 10. Identifiers: Orphanet 140922, MedGen C1837342, MONDO:0012127, OMIM 608807.

Submission:

Labcorp Genetics (formerly Invitae), Labcorp
Classification: Likely pathogenic for Dilated cardiomyopathy 1G; Autosomal recessive limb-girdle muscular dystrophy type 2J. Last evaluated: 2024-10-18. Review status: criteria provided, single submitter. Criteria: Invitae Variant Classification Sherloc (09022015). Collection method: clinical testing. Allele origin: germline.
Comment: This sequence change creates a premature translational stop signal (p.Glu10297*) in the TTN gene. While this is not anticipated to result in nonsense mediated decay, it is expected to create a truncated TTN protein. This variant is not present in population databases (gnomAD no frequency). This variant has not been reported in the literature in individuals affected with TTN-related conditions. ClinVar contains an entry for this variant (Variation ID: 2128291). This variant is located in the I band of TTN (PMID: 25589632). Truncating variants in this region have been reported in individuals affected with autosomal recessive centronuclear myopathy (PMID: 23975875, internal data). Truncating variants in this region have also been identified in individuals affected with autosomal dominant dilated cardiomyopathy and/or cardio-related conditions (PMID: 27869827, 32964742, internal data). In summary, the currently available evidence indicates that the variant is pathogenic, but additional data are needed to prove that conclusively. Therefore, this variant has been classified as Likely Pathogenic.

Literature cited by the submitters: PubMed 25589632; PubMed 23975875; PubMed 27869827; PubMed 32964742.

NM_001267550.2(TTN):c.30889G>T (p.Glu10297Ter)

Gene: TTN (titin; minus strand). Cytogenetic location: 2q31.2.
Variant type: single nucleotide variant.
Coding change: c.30889G>T on transcript NM_001267550.2 (MANE Select); coding-DNA position 30889, G replaced by T.
Protein change: p.Glu10297Ter; replaces glutamic acid 10297 with a stop codon.
Molecular consequence: nonsense. On other transcripts: intron variant (3).
Genome position (GRCh38, 1-based): chr2:178,696,183, C>A on the plus strand (G>T on the coding strand, the complement: TTN is on the minus strand). VCF-style: chr2-178696183-C-A. GRCh37 (hg19) VCF-style: chr2-179560910-C-A.
Other names: c.29938G>T, p.Glu9980Ter (NM_001256850.1); c.27157G>T, p.Glu9053Ter (NM_133378.4); c.13282+41899G>T (NM_003319.4); c.13858+41899G>T (NM_133437.4); c.13657+41899G>T (NM_133432.3); short protein forms E9980*, E10297*, E9053*.
Identifiers: ClinVar variation 2128291 (VCV002128291.4), dbSNP rs756360188, ClinGen allele CA349566298.